The following is an entry in ClinVar:

ClinVar aggregate classification (germline): Uncertain significance (1 of 4 stars; one submission).

Conditions:
Congenital glucose-galactose malabsorption (GGM). Also called: MONOSACCHARIDE MALABSORPTION; DIARRHEA 16. Identifiers: Orphanet 35710, MedGen C0268186, MONDO:0011731, OMIM 606824.

gnomAD v4.1: 7 of 1,614,044 alleles (0.00043%); highest among the groups gnomAD compares: Middle Eastern, 0.066%; no homozygotes.

Submission:

Labcorp Genetics (formerly Invitae), Labcorp
Classification: Uncertain significance for Congenital glucose-galactose malabsorption. Last evaluated: 2025-03-10. Review status: criteria provided, single submitter. Criteria: Invitae Variant Classification Sherloc (09022015). Collection method: clinical testing. Allele origin: germline.
Comment: This sequence change replaces threonine, which is neutral and polar, with isoleucine, which is neutral and non-polar, at codon 5 of the SLC5A1 protein (p.Thr5Ile). This variant is present in population databases (no rsID available, gnomAD 0.002%). This variant has not been reported in the literature in individuals affected with SLC5A1-related conditions. Invitae Evidence Modeling of protein sequence and biophysical properties (such as structural, functional, and spatial information, amino acid conservation, physicochemical variation, residue mobility, and thermodynamic stability) indicates that this missense variant is not expected to disrupt SLC5A1 protein function with a negative predictive value of 95%. In summary, the available evidence is currently insufficient to determine the role of this variant in disease. Therefore, it has been classified as a Variant of Uncertain Significance.

NM_000343.4(SLC5A1):c.14C>T (p.Thr5Ile)

Gene: SLC5A1 (solute carrier family 5 member 1; plus strand). Cytogenetic location: 22q12.3.
Variant type: single nucleotide variant.
Coding change: c.14C>T on transcript NM_000343.4 (MANE Select); coding-DNA position 14, C replaced by T.
Protein change: p.Thr5Ile; replaces threonine 5 with isoleucine.
Molecular consequence: missense variant.
Genome position (GRCh38, 1-based): chr22:32,043,295, C>T. VCF-style: chr22-32043295-C-T. GRCh37 (hg19) VCF-style: chr22-32439282-C-T.
Other names: short protein forms T5I.
Identifiers: ClinVar variation 4804585 (VCV004804585.1).